The following is an entry in ClinVar:

NM_001042492.3(NF1):c.2966A>T (p.Glu989Val)

Gene: NF1 (neurofibromin 1; plus strand). Cytogenetic location: 17q11.2.
Variant type: single nucleotide variant.
Coding change: c.2966A>T on transcript NM_001042492.3 (MANE Select); coding-DNA position 2966, A replaced by T.
Protein change: p.Glu989Val; replaces glutamic acid 989 with valine.
Molecular consequence: missense variant.
Genome position (GRCh38, 1-based): chr17:31,229,950, A>T. VCF-style: chr17-31229950-A-T. GRCh37 (hg19) VCF-style: chr17-29556968-A-T.
Other names: c.2966A>T, p.Glu989Val (NM_000267.4); short protein forms E989V.
Identifiers: ClinVar variation 3634520 (VCV003634520.2).

ClinVar aggregate classification (germline): Uncertain significance (1 of 4 stars; one submission).

Conditions:
Neurofibromatosis, type 1 (NF1). Also called: VON RECKLINGHAUSEN DISEASE; Peripheral type neurofibromatosis; NEUROFIBROMATOSIS, TYPE I, SOMATIC; Neurofibromatosis, type I. Identifiers: Orphanet 636, MedGen C0027831, MONDO:0018975, OMIM 162200. Disease mechanism: loss of function.

Submission:

Labcorp Genetics (formerly Invitae), Labcorp
Classification: Uncertain significance for Neurofibromatosis, type 1. Last evaluated: 2024-09-06. Review status: criteria provided, single submitter. Criteria: Invitae Variant Classification Sherloc (09022015). Collection method: clinical testing. Allele origin: germline.
Comment: This sequence change replaces glutamic acid, which is acidic and polar, with valine, which is neutral and non-polar, at codon 989 of the NF1 protein (p.Glu989Val). This variant is not present in population databases (gnomAD no frequency). This variant has not been reported in the literature in individuals affected with NF1-related conditions. Invitae Evidence Modeling of protein sequence and biophysical properties (such as structural, functional, and spatial information, amino acid conservation, physicochemical variation, residue mobility, and thermodynamic stability) indicates that this missense variant is expected to disrupt NF1 protein function with a positive predictive value of 95%. In summary, the available evidence is currently insufficient to determine the role of this variant in disease. Therefore, it has been classified as a Variant of Uncertain Significance.